The following is an entry in ClinVar:

ClinVar aggregate classification (germline): Uncertain significance (1 of 4 stars; one submission).

Allele frequency attached by ClinVar (database versions not stated): TOPMed below 0.00001.

Submission:

Labcorp Genetics (formerly Invitae), Labcorp
Classification: Uncertain significance. Last evaluated: 2022-12-07. Review status: criteria provided, single submitter. Criteria: Invitae Variant Classification Sherloc (09022015). Collection method: clinical testing. Allele origin: germline.
Comment: In summary, the available evidence is currently insufficient to determine the role of this variant in disease. Therefore, it has been classified as a Variant of Uncertain Significance. Variants that disrupt the consensus splice site are a relatively common cause of aberrant splicing (PMID: 17576681, 9536098). Algorithms developed to predict the effect of sequence changes on RNA splicing suggest that this variant is not likely to affect RNA splicing. This variant has not been reported in the literature in individuals affected with CACNA2D4-related conditions. This variant is not present in population databases (gnomAD no frequency). This sequence change falls in intron 35 of the CACNA2D4 gene. It does not directly change the encoded amino acid sequence of the CACNA2D4 protein. It affects a nucleotide within the consensus splice site.

Literature cited by the submitters: PubMed 17576681; PubMed 9536098.

NM_172364.5(CACNA2D4):c.3113+6A>G

Gene: CACNA2D4 (calcium voltage-gated channel auxiliary subunit alpha2delta 4; minus strand). Cytogenetic location: 12p13.33.
Variant type: single nucleotide variant.
Coding change: c.3113+6A>G on transcript NM_172364.5 (MANE Select); 6 bases into the intron after coding-DNA position 3113, A replaced by G.
Molecular consequence: intron variant.
Genome position (GRCh38, 1-based): chr12:1,797,412, T>C on the plus strand (A>G on the coding strand, the complement: CACNA2D4 is on the minus strand). VCF-style: chr12-1797412-T-C. GRCh37 (hg19) VCF-style: chr12-1906578-T-C.
Identifiers: ClinVar variation 2795481 (VCV002795481.3), dbSNP rs1171128990, ClinGen allele CA686041443.